The following is an entry in ClinVar:

NM_000089.4(COL1A2):c.2796C>T (p.Asn932=)

Gene: COL1A2 (collagen type I alpha 2 chain; plus strand). Cytogenetic location: 7q21.3.
Variant type: single nucleotide variant.
Coding change: c.2796C>T on transcript NM_000089.4 (MANE Select); coding-DNA position 2796, C replaced by T.
Protein change: p.Asn932=; no amino-acid change (asparagine 932 retained).
Molecular consequence: synonymous variant.
Genome position (GRCh38, 1-based): chr7:94,425,624, C>T. VCF-style: chr7-94425624-C-T. GRCh37 (hg19) VCF-style: chr7-94054936-C-T.
Identifiers: ClinVar variation 456825 (VCV000456825.17), dbSNP rs757671800, ClinGen allele CA4347563.
Genomic context (GRCh38, chr7:94,425,624, plus strand): 5'-CAGCAGAGCCTCACCAACAGCCTTAATTTGTGTGGTGTCTTCACAGGGCAACCCTGGGAA[C>T]GATGGTCCCCCAGGTCGCGATGGTCAACCCGGACACAAGGTCAGTACACTTTTCATCTTT-3'
Protein context (NP_000080.2, residues 922-942): GEAGRDGNPG[Asn932=]DGPPGRDGQP

ClinVar aggregate classification (germline): Likely benign. Review status: criteria provided, multiple submitters, no conflicts (2 of 4 stars). 4 submissions from 4 submitters: Likely benign (3). 1 of the submissions does not count toward it. Last evaluated 2025-10-15.

Conditions:
Cardiovascular phenotype. Identifiers: MedGen CN230736.
Ehlers-Danlos syndrome, classic type, 1 (EDSCL1). Also called: EHLERS-DANLOS SYNDROME, GRAVIS TYPE; EHLERS-DANLOS SYNDROME, SEVERE CLASSIC TYPE; EDS I; Ehlers-Danlos Syndrome, Classic Type, COL5A1-Related; Ehlers-Danlos syndrome, type 1. Identifiers: MedGen C0268335, MONDO:0019567, OMIM 130000.
Osteogenesis imperfecta type I (OI1). Also called: OI, TYPE I; OSTEOGENESIS IMPERFECTA TARDA; OSTEOGENESIS IMPERFECTA WITH BLUE SCLERAE; Classic Non-deforming Osteogenesis Imperfecta with Blue Sclerae; Lobstein disease; Osteogenesis imperfecta type 1. Identifiers: Orphanet 216796, Orphanet 666, MedGen C0023931, MONDO:0008146, OMIM 166200. Disease mechanism: loss of function.
COL1A2-related disorder. Also called: COL1A2-Related Disorders; COL1A2-related condition.

Allele frequency attached by ClinVar (database versions not stated): gnomAD 0.00006 and 0.00005; gnomAD exomes 0.00004; ExAC 0.00005; TOPMed 0.00006.
gnomAD v4.1: 102 of 1,613,936 alleles (0.0063%); highest among the groups gnomAD compares: Middle Eastern, 0.049%; no homozygotes.

Submissions (4):

Women's Health and Genetics/Laboratory Corporation of America, LabCorp
Classification: Likely benign. Last evaluated: 2025-10-15. Review status: criteria provided, single submitter. Criteria: LabCorp Variant Classification Summary - May 2015. Collection method: clinical testing. Allele origin: germline.

Labcorp Genetics (formerly Invitae), Labcorp
Classification: Likely benign for Osteogenesis imperfecta type I; Ehlers-Danlos syndrome, classic type, 1. Last evaluated: 2025-05-30. Review status: criteria provided, single submitter. Criteria: Invitae Variant Classification Sherloc (09022015). Collection method: clinical testing. Allele origin: germline.

Ambry Genetics
Classification: Likely benign for Cardiovascular phenotype. Last evaluated: 2021-11-19. Review status: criteria provided, single submitter. Criteria: Ambry Variant Classification Scheme 2023. Collection method: clinical testing. Allele origin: germline.

PreventionGenetics, part of Exact Sciences
Classification: Likely benign for COL1A2-related condition. Last evaluated: 2021-04-27. Review status: no assertion criteria provided. Collection method: clinical testing. Allele origin: germline. Not counted in ClinVar's aggregate classification.
Comment: This variant is classified as likely benign based on ACMG/AMP sequence variant interpretation guidelines (Richards et al. 2015 PMID: 25741868, with internal and published modifications).